The following is an entry in ClinVar:

ClinVar aggregate classification (germline): Uncertain significance (1 of 4 stars; one submission).

Allele frequency attached by ClinVar (database versions not stated): ExAC 0.00001; gnomAD 0.00001; TOPMed 0.00001.

Submission:

Labcorp Genetics (formerly Invitae), Labcorp
Classification: Uncertain significance. Last evaluated: 2024-12-09. Review status: criteria provided, single submitter. Criteria: Invitae Variant Classification Sherloc (09022015). Collection method: clinical testing. Allele origin: germline.
Comment: This sequence change replaces valine, which is neutral and non-polar, with alanine, which is neutral and non-polar, at codon 2723 of the KMT2A protein (p.Val2723Ala). This variant is present in population databases (rs782737765, gnomAD 0.003%). This variant has not been reported in the literature in individuals affected with KMT2A-related conditions. ClinVar contains an entry for this variant (Variation ID: 1935393). Invitae Evidence Modeling of protein sequence and biophysical properties (such as structural, functional, and spatial information, amino acid conservation, physicochemical variation, residue mobility, and thermodynamic stability) has been performed for this missense variant. However, the output from this modeling did not meet the statistical confidence thresholds required to predict the impact of this variant on KMT2A protein function. In summary, the available evidence is currently insufficient to determine the role of this variant in disease. Therefore, it has been classified as a Variant of Uncertain Significance.

NM_001197104.2(KMT2A):c.8168T>C (p.Val2723Ala)

Gene: KMT2A (lysine methyltransferase 2A; plus strand). Cytogenetic location: 11q23.3.
Variant type: single nucleotide variant.
Coding change: c.8168T>C on transcript NM_001197104.2 (MANE Select); coding-DNA position 8168, T replaced by C.
Protein change: p.Val2723Ala; replaces valine 2723 with alanine.
Molecular consequence: missense variant.
Genome position (GRCh38, 1-based): chr11:118,504,060, T>C. VCF-style: chr11-118504060-T-C. GRCh37 (hg19) VCF-style: chr11-118374775-T-C.
Other names: c.8258T>C, p.Val2753Ala (NM_001412597.1); c.8159T>C, p.Val2720Ala (NM_005933.4); short protein forms V2723A, V2720A, V2753A.
Identifiers: ClinVar variation 1935393 (VCV001935393.5), dbSNP rs782737765, ClinGen allele CA6304458.